The following is an entry in ClinVar:

ClinVar aggregate classification (germline): Uncertain significance (1 of 4 stars; one submission).

Conditions:
Cardiovascular phenotype. Identifiers: MedGen CN230736.

gnomAD v4.1: 4 of 1,498,276 alleles (0.00027%); highest among the groups gnomAD compares: Admixed American, 0.0022%; no homozygotes.

Submission:

Ambry Genetics
Classification: Uncertain significance for Cardiovascular phenotype. Last evaluated: 2026-04-27. Review status: criteria provided, single submitter. Criteria: Ambry Variant Classification Scheme 2023. Collection method: clinical testing. Allele origin: germline.
Comment: The p.P526T variant (also known as c.1576C>A), located in coding exon 4 of the JPH2 gene, results from a C to A substitution at nucleotide position 1576. The proline at codon 526 is replaced by threonine, an amino acid with highly similar properties. This amino acid position is conserved. In addition, this alteration is predicted to be tolerated by in silico analysis. Based on the available evidence, the clinical significance of this variant remains unclear.

NM_020433.5(JPH2):c.1576C>A (p.Pro526Thr)

Gene: JPH2 (junctophilin 2; minus strand). Cytogenetic location: 20q13.12.
Variant type: single nucleotide variant.
Coding change: c.1576C>A on transcript NM_020433.5 (MANE Select); coding-DNA position 1576, C replaced by A.
Protein change: p.Pro526Thr; replaces proline 526 with threonine.
Molecular consequence: missense variant.
Genome position (GRCh38, 1-based): chr20:44,116,099, G>T on the plus strand (C>A on the coding strand, the complement: JPH2 is on the minus strand). VCF-style: chr20-44116099-G-T. GRCh37 (hg19) VCF-style: chr20-42744739-G-T.
Other names: short protein forms P526T.
Identifiers: ClinVar variation 4858566 (VCV004858566.1).
Genomic context (GRCh38, chr20:44,116,099, plus strand): 5'-CGATGGCCATGCGCTCGGTGGCTGGACGCGCGGGGCTGCGGCGGCCCGCGCCCTCGGACG[G>T]AGTGACTGACCGGCTGCCCTCACCGCTGGGCTCGCCGTTCCAGGCGCCTGGGCTCAGCAG-3'
Protein context (NP_065166.2, residues 516-536): PSGEGSRSVT[Pro526Thr]SEGAGRRSPA